The following is an entry in ClinVar:

NM_001111.5(ADAR):c.3130A>T (p.Asn1044Tyr)

Gene: ADAR (adenosine deaminase RNA specific; minus strand). Cytogenetic location: 1q21.3.
Variant type: single nucleotide variant.
Coding change: c.3130A>T on transcript NM_001111.5 (MANE Select); coding-DNA position 3130, A replaced by T.
Protein change: p.Asn1044Tyr; replaces asparagine 1044 with tyrosine.
Molecular consequence: missense variant.
Genome position (GRCh38, 1-based): chr1:154,586,253, T>A on the plus strand (A>T on the coding strand, the complement: ADAR is on the minus strand). VCF-style: chr1-154586253-T-A. GRCh37 (hg19) VCF-style: chr1-154558729-T-A.
Other names: c.3130A>T, p.Asn1044Tyr (LRG_1212t1); c.2245A>T, p.Asn749Tyr (NM_001025107.3, NM_001193495.2, NM_001365046.1 and 2 more transcripts); c.3157A>T, p.Asn1053Tyr (NM_001365045.1); c.2167A>T, p.Asn723Tyr (NM_001365049.1); c.3052A>T, p.Asn1018Tyr (NM_015840.4); c.2995A>T, p.Asn999Tyr (NM_015841.4); short protein forms N1044Y, N1018Y, N723Y, N1053Y, N749Y, N999Y.
Identifiers: ClinVar variation 389456 (VCV000389456.3), dbSNP rs1057523436, ClinGen allele CA16603428.
Genomic context (GRCh38, chr1:154,586,253, plus strand): 5'-ATTTGAGATAAATGGGCTGCAGGAAGTGGGTCAACAGTGCCCCTTGCAGGCCCAGCACGT[T>A]CCAGCGTAGGATTTTGTCACTACAGGACATGGTACGGAGTCTCTCCCCGAGCCGAATGCC-3'
Protein context (NP_001102.3, residues 1034-1054): MSCSDKILRW[Asn1044Tyr]VLGLQGALLT

ClinVar aggregate classification (germline): Uncertain significance (1 of 4 stars; one submission).

Submission:

GeneDx
Classification: Uncertain significance. Last evaluated: 2023-10-12. Review status: criteria provided, single submitter. Criteria: GeneDx Variant Classification Process June 2021. Collection method: clinical testing. Allele origin: germline. Affected: yes.
Comment: Not observed at significant frequency in large population cohorts (gnomAD); In silico analysis supports that this missense variant has a deleterious effect on protein structure/function; In silico analysis supports a deleterious effect on splicing; Has not been previously published as pathogenic or benign to our knowledge